The following is an entry in ClinVar:

ClinVar aggregate classification (germline): Uncertain significance (1 of 4 stars; one submission).

Conditions:
Joubert syndrome 18 (JBTS18). Identifiers: Orphanet 2754, MedGen C3553758, MONDO:0013896, OMIM 614815.
Orofacial-digital syndrome IV (OFD4). Also called: Orofaciodigital syndrome IV; BARAITSER-BURN SYNDROME; MOHR-MAJEWSKI SYNDROME; OFD SYNDROME WITH TIBIAL DEFECTS; OFD SYNDROME, BARAITSER-BURN TYPE; OFDS IV. Identifiers: Orphanet 2753, MedGen C0406727, MONDO:0009794, OMIM 258860.

Submission:

Labcorp Genetics (formerly Invitae), Labcorp
Classification: Uncertain significance for Joubert syndrome 18; Orofacial-digital syndrome IV. Last evaluated: 2021-08-12. Review status: criteria provided, single submitter. Criteria: Invitae Variant Classification Sherloc (09022015). Collection method: clinical testing. Allele origin: germline.
Comment: In summary, the available evidence is currently insufficient to determine the role of this variant in disease. Therefore, it has been classified as a Variant of Uncertain Significance. Algorithms developed to predict the effect of missense changes on protein structure and function output the following: SIFT: "Tolerated"; PolyPhen-2: "Benign"; Align-GVGD: "Class C0". The lysine amino acid residue is found in multiple mammalian species, which suggests that this missense change does not adversely affect protein function. This variant has not been reported in the literature in individuals affected with TCTN3-related conditions. This variant is not present in population databases (ExAC no frequency). This sequence change replaces isoleucine with lysine at codon 486 of the TCTN3 protein (p.Ile486Lys). The isoleucine residue is weakly conserved and there is a moderate physicochemical difference between isoleucine and lysine.

NM_015631.6(TCTN3):c.1457T>A (p.Ile486Lys)

Gene: TCTN3 (tectonic family member 3; minus strand). Cytogenetic location: 10q24.1.
Variant type: single nucleotide variant.
Coding change: c.1457T>A on transcript NM_015631.6 (MANE Select); coding-DNA position 1457, T replaced by A.
Protein change: p.Ile486Lys; replaces isoleucine 486 with lysine.
Molecular consequence: missense variant.
Genome position (GRCh38, 1-based): chr10:95,680,605, A>T on the plus strand (T>A on the coding strand, the complement: TCTN3 is on the minus strand). VCF-style: chr10-95680605-A-T. GRCh37 (hg19) VCF-style: chr10-97440362-A-T.
Other names: c.1013T>A, p.Ile338Lys (NM_001143973.2); short protein forms I338K, I486K.
Identifiers: ClinVar variation 1509753 (VCV001509753.8), dbSNP rs2097942057, ClinGen allele CA377702122.